The following is an entry in ClinVar:

NM_000350.3(ABCA4):c.2109C>G (p.Asp703Glu)

Gene: ABCA4 (ATP binding cassette subfamily A member 4; minus strand). Cytogenetic location: 1p22.1.
Variant type: single nucleotide variant.
Coding change: c.2109C>G on transcript NM_000350.3 (MANE Select); coding-DNA position 2109, C replaced by G.
Protein change: p.Asp703Glu; replaces aspartic acid 703 with glutamic acid.
Molecular consequence: missense variant.
Genome position (GRCh38, 1-based): chr1:94,060,588, G>C on the plus strand (C>G on the coding strand, the complement: ABCA4 is on the minus strand). VCF-style: chr1-94060588-G-C. GRCh37 (hg19) VCF-style: chr1-94526144-G-C.
Other names: c.2109C>G, p.Asp703Glu (NM_001425324.1); short protein forms D703E.
Identifiers: ClinVar variation 4745909 (VCV004745909.1).

ClinVar aggregate classification (germline): Uncertain significance (1 of 4 stars; one submission).

Submission:

Labcorp Genetics (formerly Invitae), Labcorp
Classification: Uncertain significance. Last evaluated: 2025-06-14. Review status: criteria provided, single submitter. Criteria: Invitae Variant Classification Sherloc (09022015). Collection method: clinical testing. Allele origin: germline.
Comment: This sequence change replaces aspartic acid, which is acidic and polar, with glutamic acid, which is acidic and polar, at codon 703 of the ABCA4 protein (p.Asp703Glu). This variant is not present in population databases (gnomAD no frequency). This variant has not been reported in the literature in individuals affected with ABCA4-related conditions. Invitae Evidence Modeling of protein sequence and biophysical properties (such as structural, functional, and spatial information, amino acid conservation, physicochemical variation, residue mobility, and thermodynamic stability) has been performed for this missense variant. However, the output from this modeling did not meet the statistical confidence thresholds required to predict the impact of this variant on ABCA4 protein function. In summary, the available evidence is currently insufficient to determine the role of this variant in disease. Therefore, it has been classified as a Variant of Uncertain Significance.